The following is an entry in ClinVar:

NM_005219.5(DIAPH1):c.2718_2719delinsTT (p.Met906_Leu907delinsIlePhe)

Gene: DIAPH1 (diaphanous related formin 1; minus strand). Cytogenetic location: 5q31.3.
Variant type: Indel.
Coding change: c.2718_2719delinsTT on transcript NM_005219.5 (MANE Select); coding-DNA positions 2718 to 2719, GC replaced by TT.
Protein change: p.Met906_Leu907delinsIlePhe.
Molecular consequence: missense variant.
Genome position (GRCh38, 1-based): chr5:141,529,231-141,529,232, GC replaced by AA on the plus strand (GC replaced by TT on the coding strand, the reverse complement: DIAPH1 is on the minus strand). VCF-style: chr5-141529231-GC-AA. GRCh37 (hg19) VCF-style: chr5-140908798-GC-AA.
Other names: c.2691_2692delinsTT, p.Met897_Leu898delinsIlePhe (NM_001079812.3); c.2718_2719delinsTT, p.Met906_Leu907delinsIlePhe (NM_001314007.2).
Identifiers: ClinVar variation 4793435 (VCV004793435.1).
Genomic context (GRCh38, chr5:141,529,231, plus strand): 5'-CCACCACGCCAAACTGCTCTGACTCAGCCAGGTCATCATATTCATCCTTCAGTTCAGAAA[GC>AA]ATTTTTAACTGCTCTGGCTCTGGCATTTGCTTAATGAGGTTCTGAAAGACAGAAGAGACA-3'

ClinVar aggregate classification (germline): Uncertain significance (1 of 4 stars; one submission).

Conditions:
Autosomal dominant nonsyndromic hearing loss 1. Also called: DEAFNESS, AUTOSOMAL DOMINANT 1, WITH OR WITHOUT THROMBOCYTOPENIA; KONIGSMARK SYNDROME. Identifiers: Orphanet 90635, MedGen C1852282, MONDO:0007424, OMIM 124900.
Progressive microcephaly-seizures-cortical blindness-developmental delay syndrome. Also called: Seizures, cortical blindness, and microcephaly syndrome. Identifiers: Orphanet 477814, MedGen C5567650, MONDO:0014714, OMIM 616632.

Submission:

Labcorp Genetics (formerly Invitae), Labcorp
Classification: Uncertain significance for Progressive microcephaly-seizures-cortical blindness-developmental delay syndrome; Autosomal dominant nonsyndromic hearing loss 1. Last evaluated: 2025-06-27. Review status: criteria provided, single submitter. Criteria: Invitae Variant Classification Sherloc (09022015). Collection method: clinical testing. Allele origin: germline.
Comment: This variant, c.2718_2719delinsTT, is a complex sequence change that results in the deletion of 2 and insertion of 2 amino acid(s) in the DIAPH1 protein (p.Met906_Leu907delinsIlePhe). Information on the frequency of this variant in the gnomAD database is not available, as this variant may be reported differently in the database. This variant has not been reported in the literature in individuals affected with DIAPH1-related conditions. Experimental studies and prediction algorithms are not available or were not evaluated, and the functional significance of this variant is currently unknown. In summary, the available evidence is currently insufficient to determine the role of this variant in disease. Therefore, it has been classified as a Variant of Uncertain Significance.